The following is an entry in ClinVar:

NM_000053.4(ATP7B):c.3071T>C (p.Val1024Ala)

Gene: ATP7B (ATPase copper transporting beta; minus strand). Cytogenetic location: 13q14.3.
Variant type: single nucleotide variant.
Coding change: c.3071T>C on transcript NM_000053.4 (MANE Select); coding-DNA position 3071, T replaced by C.
Protein change: p.Val1024Ala; replaces valine 1024 with alanine.
Molecular consequence: missense variant.
Genome position (GRCh38, 1-based): chr13:51,944,281, A>G on the plus strand (T>C on the coding strand, the complement: ATP7B is on the minus strand). VCF-style: chr13-51944281-A-G. GRCh37 (hg19) VCF-style: chr13-52518417-A-G.
Other names: c.2450T>C, p.Val817Ala (NM_001005918.3); c.2738T>C, p.Val913Ala (NM_001243182.2); c.2837T>C, p.Val946Ala (NM_001330578.2); c.2819T>C, p.Val940Ala (NM_001330579.2); short protein forms V1024A, V913A, V940A, V946A, V817A.
Identifiers: ClinVar variation 558616 (VCV000558616.3), dbSNP rs1416453532, ClinGen allele CA388030735.

ClinVar aggregate classification (germline): Uncertain significance. Review status: criteria provided, single submitter (1 of 4 stars). 2 submissions from 2 submitters: Uncertain significance (1). 1 of the submissions does not count toward it. Last evaluated 2025-09-09.

Conditions:
Wilson disease (WND). Also called: Wilson's disease. Identifiers: Orphanet 905, MedGen C0019202, MONDO:0010200, OMIM 277900. Disease mechanism: loss of function.

Submissions (2):

Women's Health and Genetics/Laboratory Corporation of America, LabCorp
Classification: Uncertain significance. Last evaluated: 2025-09-09. Review status: criteria provided, single submitter. Criteria: LabCorp Variant Classification Summary - May 2015. Collection method: clinical testing. Allele origin: germline.
Comment: Variant summary: ATP7B c.3071T>C (p.Val1024Ala) results in a non-conservative amino acid change in the encoded protein sequence. Algorithms developed to predict the effect of missense changes on protein structure and function are either unavailable or do not agree on the potential impact of this missense change. The variant was absent in 247102 control chromosomes (gnomAD). c.3071T>C has been observed in an individual affected with Wilson Disease (Park_2007). This report does not provide unequivocal conclusions about association of the variant with Wilson Disease. At least one publication reports experimental evidence evaluating an impact on protein function, finding that the variant affects ATP7B function in transfected yeast (Park_2007). The following publication has been ascertained in the context of this evaluation (PMID: 17587212). ClinVar contains an entry for this variant (Variation ID: 558616). Based on the evidence outlined above, the variant was classified as VUS-possibly pathogenic.

Counsyl
Classification: Uncertain significance for Wilson disease. Last evaluated: 2018-05-31. Review status: no assertion criteria provided. Collection method: clinical testing. Allele origin: unknown. Not counted in ClinVar's aggregate classification.

Literature cited by the submitters: PubMed 17587212 (cited by Women's Health and Genetics/Laboratory Corporation of America, LabCorp and Counsyl); PubMed 24253677 (cited by Counsyl); PubMed 21645214 (cited by Counsyl); PubMed 22692182 (cited by Counsyl).